The following is an entry in ClinVar:

ClinVar aggregate classification (germline): Likely pathogenic (1 of 4 stars; one submission).

Conditions:
Leber congenital amaurosis 2 (LCA2). Also called: Autosomal Recessive RPE65-Related Retinal Degeneration; AMAUROSIS CONGENITA OF LEBER II. Identifiers: Orphanet 65, MedGen C1859844, MONDO:0008765, OMIM 204100. Disease mechanism: loss of function.
Retinitis pigmentosa 20 (RP20). Identifiers: Orphanet 791, MedGen C3151086, MONDO:0013425, OMIM 613794.

Submission:

Labcorp Genetics (formerly Invitae), Labcorp
Classification: Likely pathogenic for Leber congenital amaurosis 2; Retinitis pigmentosa 20. Last evaluated: 2021-08-11. Review status: criteria provided, single submitter. Criteria: Invitae Variant Classification Sherloc (09022015). Collection method: clinical testing. Allele origin: germline.
Comment: In summary, the currently available evidence indicates that the variant is pathogenic, but additional data are needed to prove that conclusively. Therefore, this variant has been classified as Likely Pathogenic. Algorithms developed to predict the effect of sequence changes on RNA splicing suggest that this variant may disrupt the consensus splice site. This variant has not been reported in the literature in individuals affected with RPE65-related conditions. This variant is not present in population databases (ExAC no frequency). This sequence change affects an acceptor splice site in intron 4 of the RPE65 gene. It is expected to disrupt RNA splicing. Variants that disrupt the donor or acceptor splice site typically lead to a loss of protein function (PMID: 16199547), and loss-of-function variants in RPE65 are known to be pathogenic (PMID: 9326941, 9501220, 9843205, 18632300).

Literature cited by the submitters: PubMed 16199547; PubMed 9326941; PubMed 9501220; PubMed 9843205; PubMed 18632300.

NM_000329.3(RPE65):c.354-1G>T

Gene: RPE65 (retinoid isomerohydrolase RPE65; minus strand). Cytogenetic location: 1p31.3.
Variant type: single nucleotide variant.
Coding change: c.354-1G>T on transcript NM_000329.3 (MANE Select); the canonical splice acceptor site of the intron before coding-DNA position 354, G replaced by T.
Molecular consequence: splice acceptor variant.
Genome position (GRCh38, 1-based): chr1:68,444,673, C>A on the plus strand (G>T on the coding strand, the complement: RPE65 is on the minus strand). VCF-style: chr1-68444673-C-A. GRCh37 (hg19) VCF-style: chr1-68910356-C-A.
Other names: c.78-1G>T (NM_001406857.1, NM_001406856.1); c.246-1G>T (NM_001406853.1); c.354-1G>T (NM_001406859.1, NM_001406860.1).
Identifiers: ClinVar variation 1505946 (VCV001505946.6), dbSNP rs2100827985, ClinGen allele CA340748036.